The following is an entry in ClinVar:

ClinVar aggregate classification (germline): Uncertain significance (1 of 4 stars; one submission).

Conditions:
Hereditary breast ovarian cancer syndrome. Also called: Hereditary breast and ovarian cancer; Hereditary breast and ovarian cancer syndrome (HBOC); Breast and ovarian cancer; Hereditary breast and/or ovarian cancer syndrome; BRCA1- and BRCA2-Associated Hereditary Breast and Ovarian Cancer; Hereditary breast and ovarian cancer syndrome. Identifiers: Orphanet 145, MedGen C0677776, MeSH D061325, MONDO:0003582. Disease mechanism: loss of function.

gnomAD v4.1: 1 of 1,610,276 alleles (0.000062%); highest among the groups gnomAD compares: Non-Finnish European, 0.000085%; no homozygotes.

Submissions (2):

Labcorp Genetics (formerly Invitae), Labcorp
Classification: Uncertain significance for Hereditary breast ovarian cancer syndrome. Last evaluated: 2023-04-28. Review status: criteria provided, single submitter. Criteria: Invitae Variant Classification Sherloc (09022015). Collection method: clinical testing. Allele origin: germline.
Comment: Experimental studies have shown that this missense change does not substantially affect BRCA1 function (PMID: 30209399). In summary, the available evidence is currently insufficient to determine the role of this variant in disease. Therefore, it has been classified as a Variant of Uncertain Significance. Advanced modeling performed at Invitae incorporating data from internal and/or published experimental studies (PMID: 30209399) indicates that this missense variant is not expected to disrupt BRCA1 function. ClinVar contains an entry for this variant (Variation ID: 867593). This missense change has been observed in individual(s) with breast cancer (PMID: 28294317). This variant is not present in population databases (gnomAD no frequency). This sequence change replaces lysine, which is basic and polar, with glutamic acid, which is acidic and polar, at codon 1690 of the BRCA1 protein (p.Lys1690Glu).

Brotman Baty Institute, University of Washington
No classification provided (evidence only). Condition: Breast-ovarian cancer, familial 1. Review status: no classification provided. Collection method: in vitro. Allele origin: not applicable. Functional consequence: functionally_normal. Not counted in ClinVar's aggregate classification.
ClinVar note: "not provided" was previously submitted as the classification for the variant. However, the classification appeared to be based only on an observation of functional data so it was converted to no classification on 2025-07-30.

Literature cited by the submitters: PubMed 30209399 (cited by Labcorp Genetics (formerly Invitae), Labcorp); PubMed 28294317 (cited by Labcorp Genetics (formerly Invitae), Labcorp).

NM_007294.4(BRCA1):c.5068A>G (p.Lys1690Glu)

Gene: BRCA1 (BRCA1 DNA repair associated; minus strand). Cytogenetic location: 17q21.31.
Variant type: single nucleotide variant.
Coding change: c.5068A>G on transcript NM_007294.4 (MANE Select); coding-DNA position 5068, A replaced by G.
Protein change: p.Lys1690Glu; replaces lysine 1690 with glutamic acid.
Molecular consequence: missense variant. On other transcripts: non-coding transcript variant (1).
Genome position (GRCh38, 1-based): chr17:43,067,614, T>C on the plus strand (A>G on the coding strand, the complement: BRCA1 is on the minus strand). VCF-style: chr17-43067614-T-C. GRCh37 (hg19) VCF-style: chr17-41219631-T-C.
Other names: c.4921A>G, p.Lys1641Glu (NM_001407845.1, NM_001407846.1, NM_001407847.1 and 12 more transcripts); c.5062A>G, p.Lys1688Glu (NM_001407861.1, NM_001407629.1, NM_001407630.1 and 14 more transcripts); c.4867A>G, p.Lys1623Glu (NM_001407862.1); c.4942A>G, p.Lys1648Glu (NM_001407863.1, NM_001407670.1, NM_001407671.1 and 11 more transcripts); c.4861A>G, p.Lys1621Glu (NM_001407874.1, NM_001407875.1); c.4858A>G, p.Lys1620Glu (NM_001407879.1, NM_001407881.1, NM_001407882.1 and 5 more transcripts); c.4855A>G, p.Lys1619Glu (NM_001407900.1, NM_001407902.1, NM_001407904.1 and 12 more transcripts); c.4852A>G, p.Lys1618Glu (NM_001407915.1, NM_001407916.1, NM_001407917.1 and 1 more transcripts); and 70 more; short protein forms K1690E, K586E, K1643E, K1711E, K538E, K544E, K546E, K547E.
Identifiers: ClinVar variation 867593 (VCV000867593.6), dbSNP rs397507239, ClinGen allele CA10591384.